The following is an entry in ClinVar:

NM_004523.4(KIF11):c.406A>G (p.Ile136Val)

Gene: KIF11 (kinesin family member 11; plus strand). Cytogenetic location: 10q23.33.
Variant type: single nucleotide variant.
Coding change: c.406A>G on transcript NM_004523.4 (MANE Select); coding-DNA position 406, A replaced by G.
Protein change: p.Ile136Val; replaces isoleucine 136 with valine.
Molecular consequence: missense variant.
Genome position (GRCh38, 1-based): chr10:92,609,038, A>G. VCF-style: chr10-92609038-A-G. GRCh37 (hg19) VCF-style: chr10-94368795-A-G.
Other names: short protein forms I136V.
Identifiers: ClinVar variation 3373144 (VCV003373144.2).

ClinVar aggregate classification (germline): Uncertain significance. Review status: criteria provided, multiple submitters, no conflicts (2 of 4 stars). 2 submissions from 2 submitters: Uncertain significance (2). Last evaluated 2025-04-08.

Submissions (2):

Labcorp Genetics (formerly Invitae), Labcorp
Classification: Uncertain significance. Last evaluated: 2025-04-08. Review status: criteria provided, single submitter. Criteria: Invitae Variant Classification Sherloc (09022015). Collection method: clinical testing. Allele origin: germline.
Comment: This sequence change replaces isoleucine, which is neutral and non-polar, with valine, which is neutral and non-polar, at codon 136 of the KIF11 protein (p.Ile136Val). This variant is not present in population databases (gnomAD no frequency). This variant has not been reported in the literature in individuals affected with KIF11-related conditions. ClinVar contains an entry for this variant (Variation ID: 3373144). Invitae Evidence Modeling of protein sequence and biophysical properties (such as structural, functional, and spatial information, amino acid conservation, physicochemical variation, residue mobility, and thermodynamic stability) indicates that this missense variant is not expected to disrupt KIF11 protein function with a negative predictive value of 95%. In summary, the available evidence is currently insufficient to determine the role of this variant in disease. Therefore, it has been classified as a Variant of Uncertain Significance.

GeneDx
Classification: Uncertain significance. Last evaluated: 2024-04-25. Review status: criteria provided, single submitter. Criteria: GeneDx Variant Classification Process June 2021. Collection method: clinical testing. Allele origin: germline. Affected: yes.
Comment: Not observed at significant frequency in large population cohorts (gnomAD); In silico analysis indicates that this missense variant does not alter protein structure/function; Has not been previously published as pathogenic or benign to our knowledge